The following is an entry in ClinVar:

NM_003072.5(SMARCA4):c.376G>T (p.Gly126Cys)

Gene: SMARCA4 (SWI/SNF related BAF chromatin remodeling complex subunit ATPase 4; plus strand). Cytogenetic location: 19p13.2.
Variant type: single nucleotide variant.
Coding change: c.376G>T on transcript NM_003072.5 (MANE Select); coding-DNA position 376, G replaced by T.
Protein change: p.Gly126Cys; replaces glycine 126 with cysteine.
Molecular consequence: missense variant. On other transcripts: non-coding transcript variant (1).
Genome position (GRCh38, 1-based): chr19:10,986,209, G>T. VCF-style: chr19-10986209-G-T. GRCh37 (hg19) VCF-style: chr19-11096885-G-T.
Other names: c.376G>T, p.Gly126Cys (NM_001128844.3, NM_001128845.2, NM_001128846.2 and 6 more transcripts); short protein forms G126C.
Identifiers: ClinVar variation 2822737 (VCV002822737.3), dbSNP rs2145771652, ClinGen allele CA404055645.
Genomic context (GRCh38, chr19:10,986,209, plus strand): 5'-TATGCTGCCGAGTGACCAGTGGGCTGACCTTTCTCTGCAGGTTACCCCTCGCCCCTGGGT[G>T]GCTCTGAGCATGCCTCTAGTCCAGTTCCAGCCAGTGGCCCGTCTTCGGGGCCCCAGATGT-3'
Protein context (NP_003063.2, residues 116-136): HSQGYPSPLG[Gly126Cys]SEHASSPVPA

ClinVar aggregate classification (germline): Uncertain significance (1 of 4 stars; one submission).

Conditions:
Rhabdoid tumor predisposition syndrome 2 (RTPS2). Identifiers: Orphanet 231108, Orphanet 69077, MedGen C2750074, MONDO:0013224, OMIM 613325.

Submission:

Labcorp Genetics (formerly Invitae), Labcorp
Classification: Uncertain significance for Rhabdoid tumor predisposition syndrome 2. Last evaluated: 2022-12-20. Review status: criteria provided, single submitter. Criteria: Invitae Variant Classification Sherloc (09022015). Collection method: clinical testing. Allele origin: germline.
Comment: In summary, the available evidence is currently insufficient to determine the role of this variant in disease. Therefore, it has been classified as a Variant of Uncertain Significance. Advanced modeling of protein sequence and biophysical properties (such as structural, functional, and spatial information, amino acid conservation, physicochemical variation, residue mobility, and thermodynamic stability) performed at Invitae indicates that this missense variant is not expected to disrupt SMARCA4 protein function. This variant has not been reported in the literature in individuals affected with SMARCA4-related conditions. This variant is not present in population databases (gnomAD no frequency). This sequence change replaces glycine, which is neutral and non-polar, with cysteine, which is neutral and slightly polar, at codon 126 of the SMARCA4 protein (p.Gly126Cys).